The following is an entry in ClinVar:

NM_130384.3(ATRIP):c.929C>T (p.Ser310Phe)

Genes: ATRIP (ATR interacting protein; plus strand), ATRIP-TREX1 (ATRIP-TREX1 readthrough; plus strand). Cytogenetic location: 3p21.31.
Variant type: single nucleotide variant.
Coding change: c.929C>T on transcript NM_130384.3 (MANE Select); coding-DNA position 929, C replaced by T.
Protein change: p.Ser310Phe; replaces serine 310 with phenylalanine.
Molecular consequence: missense variant. On other transcripts: non-coding transcript variant (1).
Genome position (GRCh38, 1-based): chr3:48,459,790, C>T. VCF-style: chr3-48459790-C-T. GRCh37 (hg19) VCF-style: chr3-48501189-C-T.
Other names: c.548C>T, p.Ser183Phe (NM_001271022.2); c.650C>T, p.Ser217Phe (NM_001271023.2); c.929C>T, p.Ser310Phe (NM_032166.4); short protein forms S183F, S310F, S217F.
Identifiers: ClinVar variation 3809278 (VCV003809278.1).
Genomic context (GRCh38, chr3:48,459,790, plus strand): 5'-AGCCACCGAAAAGATCTCCCATGTCAGAACCTTCTAGAGTCATCTTGTCTTCTGCAGGTT[C>T]CATTTTGATAAACCTGCTCCTGAAGCAGCCTTTGATCCCAGGGTCATCCCTAAGCCTTTG-3'
Protein context (NP_569055.1, residues 300-320): SWRQRSNTQG[Ser310Phe]ILINLLLKQP

ClinVar aggregate classification (germline): Uncertain significance (1 of 4 stars; one submission).

gnomAD v4.1: 2 of 1,610,550 alleles (0.00012%); highest among the groups gnomAD compares: Non-Finnish European, 0.00017%; no homozygotes.

Submission:

Ambry Genetics
Classification: Uncertain significance. Last evaluated: 2025-01-07. Review status: criteria provided, single submitter. Criteria: Ambry Variant Classification Scheme 2023. Collection method: clinical testing. Allele origin: germline.
Comment: The p.S310F variant (also known as c.929C>T), located in coding exon 7 of the ATRIP gene, results from a C to T substitution at nucleotide position 929. The serine at codon 310 is replaced by phenylalanine, an amino acid with highly dissimilar properties. This amino acid position is well conserved in available vertebrate species. In addition, the in silico prediction for this alteration is inconclusive. The evidence for this gene-disease relationship is limited; therefore, the clinical significance of this alteration is unclear.